The following continues an entry in ClinVar:

NM_000053.4(ATP7B):c.2292C>T (p.Phe764=)

Gene: ATP7B. ClinVar aggregate classification (germline): Conflicting classifications of pathogenicity. Pathogenic (4); Likely pathogenic (8); Uncertain significance (1); Benign (1); Likely benign (1).

Submissions 10 to 15 of 15:

All of Us Research Program, National Institutes of Health
Classification: Pathogenic for Wilson disease. Last evaluated: 2024-04-16. Review status: criteria provided, single submitter. Criteria: ACMG Guidelines, 2015. Collection method: clinical testing. Allele origin: germline. Inheritance: Autosomal recessive inheritance. Observed: 4 variant alleles, 4 heterozygotes.
Comment: This synonymous variant causes a C>T nucleotide change in exon 8 of the ATP7B protein. This variant has been reported in many individuals affected with Wilson disease (PMID: 15967699, 16207219, 27022412, 31059521, 32613181, 33640437, 33763395, 35271763, 36096368, 36343861). RNA extracted from both compound heterozygous and homozygous individuals affected with Wilson disease showed exon 8 skipping (PMID: 35271763). This result was not replicated in a mini-gene assay, where no exon 8 skipping was observed, possibly suggesting tissue specificity (PMID: 36343861). This variant has been identified in 5/280992 chromosomes in the general population by the Genome Aggregation Database (gnomAD). Based on the available evidence, this variant is classified as Pathogenic.

This study involves interpretation of variants in research participants for the purpose of population health screening. Participant phenotype was not available at the time of variant classification. Additional details can be found in publication PMID: 35346344, PMCID: PMC8962531

Color Diagnostics, LLC DBA Color Health
Classification: Pathogenic for Wilson disease. Last evaluated: 2024-03-28. Review status: criteria provided, single submitter. Criteria: ACMG Guidelines, 2015. Collection method: clinical testing. Allele origin: germline.
Comment: This synonymous variant causes a C>T nucleotide change in exon 8 of the ATP7B protein. This variant has been reported in many individuals affected with Wilson disease (PMID: 15967699, 16207219, 27022412, 31059521, 32613181, 33640437, 33763395, 35271763, 36096368, 36343861). RNA extracted from both compound heterozygous and homozygous individuals affected with Wilson disease showed exon 8 skipping (PMID: 35271763). This result was not replicated in a mini-gene assay, where no exon 8 skipping was observed, possibly suggesting tissue specificity (PMID: 36343861). This variant has been identified in 5/280992 chromosomes in the general population by the Genome Aggregation Database (gnomAD). Based on the available evidence, this variant is classified as Pathogenic.

Baylor Genetics
Classification: Pathogenic for Wilson disease. Last evaluated: 2024-01-16. Review status: criteria provided, single submitter. Criteria: ACMG Guidelines, 2015. Collection method: clinical testing. Allele origin: unknown.

Molecular Diagnostics, Microbiology, Virology, Parasitology and Genetics, Sofia University, St. Kliment Ohridski
Classification: Likely pathogenic for Wilson disease. Last evaluated: 2019-06-14. Review status: criteria provided, single submitter. Criteria: ACMG Guidelines, 2015. Collection method: clinical testing. Allele origin: paternal. Inheritance: Autosomal recessive inheritance. Affected: yes. Observed: 1 compound heterozygote.
Comment: The p.Phe764Phe variant in ATP7B has been found in 1 Bulgarian and 1 Egyptian families and was segregated with the disease and associated with low ceruloplasmin levels in carriers for this variant.

Centre for Mendelian Genomics, University Medical Centre Ljubljana
Classification: Uncertain significance for Wilson disease. Last evaluated: 2019-05-08. Review status: criteria provided, single submitter. Criteria: ACMG Guidelines, 2015. Collection method: clinical testing. Allele origin: unknown. Affected: yes.
Comment: This variant was classified as: Uncertain significance. The available evidence on this variant's pathogenicity is insufficient or conflicting. The following ACMG criteria were applied in classifying this variant: PM2.

Genetic Services Laboratory, University of Chicago
Classification: Benign. Last evaluated: 2013-02-08. Review status: criteria provided, single submitter. Criteria: ACMG Guidelines, 2007. Collection method: clinical testing. Allele origin: germline. Inheritance: Autosomal recessive inheritance.

Literature cited by the submitters: PubMed 31059521 (cited by 4 submitters); PubMed 33640437 (cited by 4 submitters); PubMed 33763395 (cited by 4 submitters); PubMed 18371106 (cited by Women's Health and Genetics/Laboratory Corporation of America, LabCorp); PubMed 15967699 (cited by 3 submitters); PubMed 27022412 (cited by 3 submitters); PubMed 16207219 (cited by 3 submitters); PubMed 33719328 (cited by Women's Health and Genetics/Laboratory Corporation of America, LabCorp); PubMed 32613181 (cited by 3 submitters); PubMed 19540904 (cited by Women's Health and Genetics/Laboratory Corporation of America, LabCorp); PubMed 35271763 (cited by All of Us Research Program, National Institutes of Health and Color Diagnostics, LLC DBA Color Health); PubMed 36096368 (cited by All of Us Research Program, National Institutes of Health and Color Diagnostics, LLC DBA Color Health); PubMed 36343861 (cited by All of Us Research Program, National Institutes of Health and Color Diagnostics, LLC DBA Color Health); DOI 10.1111/j.1399-0004.2005.00516.x (cited by Molecular Diagnostics, Microbiology, Virology, Parasitology and Genetics, Sofia University, St. Kliment Ohridski).